The following is an entry in ClinVar:

ClinVar aggregate classification (germline): Uncertain significance (1 of 4 stars; one submission).

Conditions:
Oto-palato-digital syndrome, type II (OPD2). Also called: Otopalatodigital Syndrome Type 2 (FLNA-OPD2); Otopalatodigital Syndrome, Type II; FACIOPALATOOSSEOUS SYNDROME; OPD II SYNDROME. Identifiers: Orphanet 669, Orphanet 90652, MedGen C1844696, MONDO:0010571, OMIM 304120.
Frontometaphyseal dysplasia (FMD1). Identifiers: Orphanet 1826, MedGen C0265293, MONDO:0015942.
Melnick-Needles syndrome (MNS). Also called: Melnick-Needles Syndrome (FLNA-MNS); MELNICK-NEEDLES OSTEODYSPLASTY; OSTEODYSPLASTY OF MELNICK AND NEEDLES. Identifiers: Orphanet 2484, MedGen C0025237, MONDO:0010650, OMIM 309350.
Heterotopia, periventricular, X-linked dominant (PVNH1). Also called: PERIVENTRICULAR NODULAR HETEROTOPIA 4; HETEROTOPIA, PERIVENTRICULAR, 1; X-linked periventricular heterotopia; PERIVENTRICULAR NODULAR HETEROTOPIA 1. Identifiers: Orphanet 2149, Orphanet 82004, MedGen C1848213, MONDO:0010233, OMIM 300049.

Submission:

Labcorp Genetics (formerly Invitae), Labcorp
Classification: Uncertain significance for Oto-palato-digital syndrome, type II; Heterotopia, periventricular, X-linked dominant; Frontometaphyseal dysplasia; Melnick-Needles syndrome. Last evaluated: 2022-02-27. Review status: criteria provided, single submitter. Criteria: Invitae Variant Classification Sherloc (09022015). Collection method: clinical testing. Allele origin: germline.
Comment: Advanced modeling of protein sequence and biophysical properties (such as structural, functional, and spatial information, amino acid conservation, physicochemical variation, residue mobility, and thermodynamic stability) performed at Invitae indicates that this missense variant is expected to disrupt FLNA protein function. In summary, the available evidence is currently insufficient to determine the role of this variant in disease. Therefore, it has been classified as a Variant of Uncertain Significance. This missense change has been observed in individual(s) with periventricular heterotopia (PMID: 23032111). This variant is not present in population databases (gnomAD no frequency). This sequence change replaces isoleucine, which is neutral and non-polar, with methionine, which is neutral and non-polar, at codon 129 of the FLNA protein (p.Ile129Met).

Literature cited by the submitters: PubMed 23032111.

NM_001110556.2(FLNA):c.387C>G (p.Ile129Met)

Gene: FLNA (filamin A; minus strand). Cytogenetic location: Xq28.
Variant type: single nucleotide variant.
Coding change: c.387C>G on transcript NM_001110556.2 (MANE Select); coding-DNA position 387, C replaced by G.
Protein change: p.Ile129Met; replaces isoleucine 129 with methionine.
Molecular consequence: missense variant.
Genome position (GRCh38, 1-based): chrX:154,368,077, G>C on the plus strand (C>G on the coding strand, the complement: FLNA is on the minus strand). VCF-style: chrX-154368077-G-C. GRCh37 (hg19) VCF-style: chrX-153596445-G-C.
Other names: c.387C>G, p.Ile129Met (NM_001456.4); short protein forms I129M.
Identifiers: ClinVar variation 2138787 (VCV002138787.4), dbSNP rs376726361, ClinGen allele CA415251096.